The following is an entry in ClinVar:

ClinVar aggregate classification (germline): Pathogenic (1 of 4 stars; one submission).

Conditions:
Neurofibromatosis, type 1 (NF1). Also called: VON RECKLINGHAUSEN DISEASE; Neurofibromatosis, type I; NEUROFIBROMATOSIS, TYPE I, SOMATIC; Peripheral type neurofibromatosis. Identifiers: Orphanet 636, MedGen C0027831, MONDO:0018975, OMIM 162200. Disease mechanism: loss of function.

Submission:

Labcorp Genetics (formerly Invitae), Labcorp
Classification: Pathogenic for Neurofibromatosis, type 1. Last evaluated: 2023-10-27. Review status: criteria provided, single submitter. Criteria: Invitae Variant Classification Sherloc (09022015). Collection method: clinical testing. Allele origin: germline.
Comment: This sequence change creates a premature translational stop signal (p.Ser2167Leufs*11) in the NF1 gene. It is expected to result in an absent or disrupted protein product. Loss-of-function variants in NF1 are known to be pathogenic (PMID: 10712197, 23913538). This variant is not present in population databases (gnomAD no frequency). This variant has not been reported in the literature in individuals affected with NF1-related conditions. For these reasons, this variant has been classified as Pathogenic.

Literature cited by the submitters: PubMed 10712197; PubMed 23913538.

NM_001042492.3(NF1):c.6562_6565del (p.Ser2188fs)

Gene: NF1 (neurofibromin 1; plus strand). Cytogenetic location: 17q11.2.
Variant type: Microsatellite.
Coding change: c.6562_6565del on transcript NM_001042492.3 (MANE Select); coding-DNA positions 6562 to 6565, 4 bases deleted (TCTC; older notation c.6562_6565delTCTC).
Protein change: p.Ser2188fs; shifts the reading frame from serine 2188.
Molecular consequence: frameshift variant.
Genome position (GRCh38, 1-based): chr17:31,337,502-31,337,505, TCTC deleted; deleting any 4 consecutive bases within chr17:31,337,500-31,337,505 gives the same sequence; the c. name uses the placement nearest the transcript's 3' end. VCF-style (leftmost placement, unchanged base first): chr17-31337499-TTCTC-T. GRCh37 (hg19) VCF-style: chr17-29664517-TTCTC-T.
Other names: c.6497_6498TC[1], p.Ser2167Leufs (NM_000267.4); short protein forms S2167fs, S2188fs.
Identifiers: ClinVar variation 2769262 (VCV002769262.3), dbSNP rs2508753953, ClinGen allele CA2697559562.